The following is an entry in ClinVar:

ClinVar aggregate classification (germline): Likely benign. Review status: criteria provided, multiple submitters, no conflicts (2 of 4 stars). 3 submissions from 3 submitters: Likely benign (3). Last evaluated 2025-10-23.

Conditions:
PRDM13-related disorder. Also called: PRDM13-related condition.

Allele frequency attached by ClinVar (database versions not stated): gnomAD 0.00003 and 0.00004; TOPMed 0.00012; gnomAD exomes 0.00024.
gnomAD v4.1: 54 of 1,549,310 alleles (0.0035%); highest among the groups gnomAD compares: Admixed American, 0.1%; no homozygotes.

Submissions (3):

Labcorp Genetics (formerly Invitae), Labcorp
Classification: Likely benign. Last evaluated: 2025-10-23. Review status: criteria provided, single submitter. Criteria: Invitae Variant Classification Sherloc (09022015). Collection method: clinical testing. Allele origin: germline.

PreventionGenetics, part of Exact Sciences
Classification: Likely benign for PRDM13-related condition. Last evaluated: 2024-12-10. Review status: criteria provided, single submitter. Criteria: ACMG Guidelines, 2015. Collection method: clinical testing. Allele origin: germline.
Comment: This variant is classified as likely benign based on ACMG/AMP sequence variant interpretation guidelines (Richards et al. 2015 PMID: 25741868, with internal and published modifications).

Blueprint Genetics
Classification: Likely benign. Last evaluated: 2024-06-26. Review status: criteria provided, single submitter. Criteria: ACMG Guidelines, 2015. Collection method: clinical testing. Allele origin: germline.

NM_021620.4(PRDM13):c.708G>C (p.Ser236=)

Gene: PRDM13 (PR/SET domain 13; plus strand). Cytogenetic location: 6q16.2.
Variant type: single nucleotide variant.
Coding change: c.708G>C on transcript NM_021620.4 (MANE Select); coding-DNA position 708, G replaced by C.
Protein change: p.Ser236=; no amino-acid change (serine 236 retained).
Molecular consequence: synonymous variant.
Genome position (GRCh38, 1-based): chr6:99,613,343, G>C. VCF-style: chr6-99613343-G-C. GRCh37 (hg19) VCF-style: chr6-100061219-G-C.
Other names: c.708G>C (NM_021620.3).
Identifiers: ClinVar variation 1103322 (VCV001103322.11), dbSNP rs745526393, ClinGen allele CA3936265.